The following is an entry in ClinVar:

ClinVar aggregate classification (germline): Uncertain significance. Review status: criteria provided, multiple submitters, no conflicts (2 of 4 stars). 2 submissions from 2 submitters: Uncertain significance (2). Last evaluated 2024-10-04.

Conditions:
MYO5B-related disorder. Also called: MYO5B-related condition.

Allele frequency attached by ClinVar (database versions not stated): gnomAD 0.00001 and 0.00003; TOPMed 0.00002; gnomAD exomes 0.00003 and 0.00007; ExAC 0.00006; 1000 Genomes Project 0.00020; 1000 Genomes Project 30x 0.00031.
gnomAD v4.1: 45 of 1,612,488 alleles (0.0028%); highest among the groups gnomAD compares: South Asian, 0.046%; no homozygotes.

Submissions (2):

PreventionGenetics, part of Exact Sciences
Classification: Uncertain significance for MYO5B-related condition. Last evaluated: 2024-10-04. Review status: criteria provided, single submitter. Criteria: ACMG Guidelines, 2015. Collection method: clinical testing. Allele origin: germline.
Comment: The MYO5B c.3157G>A variant is predicted to result in the amino acid substitution p.Glu1053Lys. To our knowledge, this variant has not been reported in the literature. This variant is reported in 0.056% of alleles in individuals of South Asian descent in gnomAD. Although we suspect that this variant may be benign, at this time, the clinical significance of this variant is uncertain due to the absence of conclusive functional and genetic evidence.

Labcorp Genetics (formerly Invitae), Labcorp
Classification: Uncertain significance. Last evaluated: 2022-06-13. Review status: criteria provided, single submitter. Criteria: Invitae Variant Classification Sherloc (09022015). Collection method: clinical testing. Allele origin: germline.
Comment: This sequence change replaces glutamic acid, which is acidic and polar, with lysine, which is basic and polar, at codon 1053 of the MYO5B protein (p.Glu1053Lys). This variant is present in population databases (rs557000450, gnomAD 0.06%). This variant has not been reported in the literature in individuals affected with MYO5B-related conditions. Algorithms developed to predict the effect of missense changes on protein structure and function (SIFT, PolyPhen-2, Align-GVGD) all suggest that this variant is likely to be tolerated. In summary, the available evidence is currently insufficient to determine the role of this variant in disease. Therefore, it has been classified as a Variant of Uncertain Significance.

NM_001080467.3(MYO5B):c.3157G>A (p.Glu1053Lys)

Gene: MYO5B (myosin VB; minus strand). Cytogenetic location: 18q21.1.
Variant type: single nucleotide variant.
Coding change: c.3157G>A on transcript NM_001080467.3 (MANE Select); coding-DNA position 3157, G replaced by A.
Protein change: p.Glu1053Lys; replaces glutamic acid 1053 with lysine.
Molecular consequence: missense variant.
Genome position (GRCh38, 1-based): chr18:49,879,064, C>T on the plus strand (G>A on the coding strand, the complement: MYO5B is on the minus strand). VCF-style: chr18-49879064-C-T. GRCh37 (hg19) VCF-style: chr18-47405434-C-T.
Other names: c.3157G>A (NM_001080467.2); short protein forms E1053K.
Identifiers: ClinVar variation 1372767 (VCV001372767.4), dbSNP rs557000450, ClinGen allele CA8960816.